The following is an entry in ClinVar:

NM_000271.5(NPC1):c.758C>T (p.Pro253Leu)

Gene: NPC1 (NPC intracellular cholesterol transporter 1; minus strand). Cytogenetic location: 18q11.2.
Variant type: single nucleotide variant.
Coding change: c.758C>T on transcript NM_000271.5 (MANE Select); coding-DNA position 758, C replaced by T.
Protein change: p.Pro253Leu; replaces proline 253 with leucine.
Molecular consequence: missense variant.
Genome position (GRCh38, 1-based): chr18:23,560,354, G>A on the plus strand (C>T on the coding strand, the complement: NPC1 is on the minus strand). VCF-style: chr18-23560354-G-A. GRCh37 (hg19) VCF-style: chr18-21140318-G-A.
Other names: short protein forms P253L.
Identifiers: ClinVar variation 1519403 (VCV001519403.3), dbSNP rs2145480194, ClinGen allele CA401781185.
Genomic context (GRCh38, chr18:23,560,354, plus strand): 5'-CACATGATGACATACATGGCGTCCAAGCCAAGGATCGTCCAGGGAGCAGGAGGAGGTGGG[G>A]GCTGGGGCTTGGGGCCACAGACAATAGAGCAGTCTTGGCAGCTACATGGTGCTGTGACCT-3'
Protein context (NP_000262.2, residues 243-263): CSIVCGPKPQ[Pro253Leu]PPPPAPWTIL

ClinVar aggregate classification (germline): Uncertain significance (1 of 4 stars; one submission).

Conditions:
Niemann-Pick disease, type C1. Also called: NEUROVISCERAL STORAGE DISEASE WITH VERTICAL SUPRANUCLEAR OPHTHALMOPLEGIA; NIEMANN-PICK DISEASE WITH CHOLESTEROL ESTERIFICATION BLOCK; NIEMANN-PICK DISEASE WITHOUT SPHINGOMYELINASE DEFICIENCY; NIEMANN-PICK DISEASE, CHRONIC NEURONOPATHIC FORM; NIEMANN-PICK DISEASE, VARIANT TYPE C1. Identifiers: Orphanet 646, MedGen C3179455, MONDO:0009757, OMIM 257220.

Submission:

Labcorp Genetics (formerly Invitae), Labcorp
Classification: Uncertain significance for Niemann-Pick disease, type C1. Last evaluated: 2022-03-02. Review status: criteria provided, single submitter. Criteria: Invitae Variant Classification Sherloc (09022015). Collection method: clinical testing. Allele origin: germline.
Comment: This sequence change replaces proline, which is neutral and non-polar, with leucine, which is neutral and non-polar, at codon 253 of the NPC1 protein (p.Pro253Leu). This variant is not present in population databases (gnomAD no frequency). This variant has not been reported in the literature in individuals affected with NPC1-related conditions. Algorithms developed to predict the effect of missense changes on protein structure and function are either unavailable or do not agree on the potential impact of this missense change (SIFT: "Tolerated"; PolyPhen-2: "Probably Damaging"; Align-GVGD: "Class C15"). In summary, the available evidence is currently insufficient to determine the role of this variant in disease. Therefore, it has been classified as a Variant of Uncertain Significance.